The following is an entry in ClinVar:

NM_001845.6(COL4A1):c.958-10T>C

Gene: COL4A1 (collagen type IV alpha 1 chain; minus strand). Cytogenetic location: 13q34.
Variant type: single nucleotide variant.
Coding change: c.958-10T>C on transcript NM_001845.6 (MANE Select); 10 bases into the intron before coding-DNA position 958, T replaced by C.
Molecular consequence: intron variant.
Genome position (GRCh38, 1-based): chr13:110,203,617, A>G on the plus strand (T>C on the coding strand, the complement: COL4A1 is on the minus strand). VCF-style: chr13-110203617-A-G. GRCh37 (hg19) VCF-style: chr13-110855964-A-G.
Other names: c.958-10T>C (NM_001303110.2).
Identifiers: ClinVar variation 737912 (VCV000737912.12), dbSNP rs766495795, ClinGen allele CA7048184.

ClinVar aggregate classification (germline): Benign/Likely benign. Review status: criteria provided, multiple submitters, no conflicts (2 of 4 stars). 4 submissions from 4 submitters: Benign (1); Likely benign (3). Last evaluated 2025-09-07.

Conditions:
Microangiopathy and leukoencephalopathy, pontine, autosomal dominant. Also called: DEMENTIA, HEREDITARY MULTI-INFARCT, SWEDISH TYPE; Pontine autosomal dominant microangiopathy with leukoencephalopathy. Identifiers: Orphanet 477749, MedGen C5231411, MONDO:0032814, OMIM 618564.
Retinal arterial tortuosity. Also called: Retinal arteries, tortuosity of; RETINAL HEMORRHAGE WITH VASCULAR TORTUOSITY. Identifiers: Orphanet 75326, MedGen C0423401, MONDO:0008373, OMIM 180000, HP:0000631.
Hemorrhage, intracerebral, susceptibility to (ICH). Also called: Stroke, hemorrhagic, susceptibility to. Identifiers: MedGen C3281105, MONDO:0100533, OMIM 614519.
Brain small vessel disease 1 with or without ocular anomalies (BSVD1). Also called: PORENCEPHALY, TYPE 1, AUTOSOMAL DOMINANT; BRAIN SMALL VESSEL DISEASE WITH HEMORRHAGE; GOULD SYNDROME 1; Brain small vessel disease with or without ocular anomalies. Identifiers: Orphanet 2940, Orphanet 36383, Orphanet 99810, MedGen C4755307, MONDO:0008289, OMIM 175780.
Autosomal dominant familial hematuria-retinal arteriolar tortuosity-contractures syndrome. Also called: Angiopathy, hereditary, with nephropathy, aneurysms, and muscle cramps; Hereditary Angiopathy with Nephropathy, Aneurysms, and Muscle Cramps (HANAC) Syndrome. Identifiers: Orphanet 73229, MedGen C2673195, MONDO:0012726, OMIM 611773.
COL4A1-related disorder. Also called: COL4A1-related condition; COL4A1-related disorders. Identifiers: MedGen CN376119, MONDO:0800461.

Allele frequency attached by ClinVar (database versions not stated): gnomAD below 0.00001 and 0.00006; TOPMed 0.00002; gnomAD exomes 0.00008 and 0.00018; ExAC 0.00016.
gnomAD v4.1: 129 of 1,614,098 alleles (0.008%); highest among the groups gnomAD compares: South Asian, 0.12%; 1 homozygote.

Submissions (4):

Labcorp Genetics (formerly Invitae), Labcorp
Classification: Benign. Last evaluated: 2025-09-07. Review status: criteria provided, single submitter. Criteria: Invitae Variant Classification Sherloc (09022015). Collection method: clinical testing. Allele origin: germline.

PreventionGenetics, part of Exact Sciences
Classification: Likely benign for COL4A1-related condition. Last evaluated: 2024-12-06. Review status: criteria provided, single submitter. Criteria: ACMG Guidelines, 2015. Collection method: clinical testing. Allele origin: germline.
Comment: This variant is classified as likely benign based on ACMG/AMP sequence variant interpretation guidelines (Richards et al. 2015 PMID: 25741868, with internal and published modifications).

Blueprint Genetics
Classification: Likely benign. Last evaluated: 2024-07-09. Review status: criteria provided, single submitter. Criteria: ACMG Guidelines, 2015. Collection method: clinical testing. Allele origin: germline.

Fulgent Genetics
Classification: Likely benign for Brain small vessel disease 1 with or without ocular anomalies; Retinal arterial tortuosity; Autosomal dominant familial hematuria-retinal arteriolar tortuosity-contractures syndrome; Hemorrhage, intracerebral, susceptibility to; Microangiopathy and leukoencephalopathy, pontine, autosomal dominant. Last evaluated: 2021-10-20. Review status: criteria provided, single submitter. Criteria: ACMG Guidelines, 2015. Collection method: clinical testing. Allele origin: unknown.